The following is an entry in ClinVar:

ClinVar aggregate classification (germline): Uncertain significance. Review status: criteria provided, multiple submitters, no conflicts (2 of 4 stars). 2 submissions from 2 submitters: Uncertain significance (2). Last evaluated 2025-08-24.

Submissions (2):

Labcorp Genetics (formerly Invitae), Labcorp
Classification: Uncertain significance. Last evaluated: 2025-08-24. Review status: criteria provided, single submitter. Criteria: Invitae Variant Classification Sherloc (09022015). Collection method: clinical testing. Allele origin: germline.
Comment: This sequence change replaces glycine, which is neutral and non-polar, with tryptophan, which is neutral and slightly polar, at codon 1185 of the LRP5 protein (p.Gly1185Trp). This variant is not present in population databases (gnomAD no frequency). This variant has not been reported in the literature in individuals affected with LRP5-related conditions. ClinVar contains an entry for this variant (Variation ID: 1962464). Invitae Evidence Modeling of protein sequence and biophysical properties (such as structural, functional, and spatial information, amino acid conservation, physicochemical variation, residue mobility, and thermodynamic stability) has been performed for this missense variant. However, the output from this modeling did not meet the statistical confidence thresholds required to predict the impact of this variant on LRP5 protein function. In summary, the available evidence is currently insufficient to determine the role of this variant in disease. Therefore, it has been classified as a Variant of Uncertain Significance.

Blueprint Genetics
Classification: Uncertain significance. Last evaluated: 2020-08-19. Review status: criteria provided, single submitter. Criteria: ACMG Guidelines, 2015. Collection method: clinical testing. Allele origin: germline.

NM_002335.4(LRP5):c.3553G>T (p.Gly1185Trp)

Gene: LRP5 (LDL receptor related protein 5; plus strand). Cytogenetic location: 11q13.2.
Variant type: single nucleotide variant.
Coding change: c.3553G>T on transcript NM_002335.4 (MANE Select); coding-DNA position 3553, G replaced by T.
Protein change: p.Gly1185Trp; replaces glycine 1185 with tryptophan.
Molecular consequence: missense variant.
Genome position (GRCh38, 1-based): chr11:68,426,103, G>T. VCF-style: chr11-68426103-G-T. GRCh37 (hg19) VCF-style: chr11-68193571-G-T.
Other names: c.1810G>T, p.Gly604Trp (NM_001291902.2); short protein forms G1185W, G604W.
Identifiers: ClinVar variation 1962464 (VCV001962464.6), dbSNP rs375557997, ClinGen allele CA381621931.